The following is an entry in ClinVar:

NM_032119.4(ADGRV1):c.15027T>C (p.Thr5009=)

Gene: ADGRV1 (adhesion G protein-coupled receptor V1; plus strand). Cytogenetic location: 5q14.3.
Variant type: single nucleotide variant.
Coding change: c.15027T>C on transcript NM_032119.4 (MANE Select); coding-DNA position 15027, T replaced by C.
Protein change: p.Thr5009=; no amino-acid change (threonine 5009 retained).
Molecular consequence: synonymous variant. On other transcripts: non-coding transcript variant (1).
Genome position (GRCh38, 1-based): chr5:90,810,287, T>C. VCF-style: chr5-90810287-T-C. GRCh37 (hg19) VCF-style: chr5-90106104-T-C.
Other names: c.15027T>C (NM_032119.3).
Identifiers: ClinVar variation 1096540 (VCV001096540.11), dbSNP rs1460554395, ClinGen allele CA445416865.

ClinVar aggregate classification (germline): Likely benign. Review status: criteria provided, single submitter (1 of 4 stars). 2 submissions from 2 submitters: Likely benign (1). 1 of the submissions does not count toward it. Last evaluated 2026-01-24.

Conditions:
ADGRV1-related disorder. Also called: ADGRV1-related disorders; ADGRV1-related condition.

Allele frequency attached by ClinVar (database versions not stated): gnomAD exomes below 0.00001; TOPMed 0.00001.
gnomAD v4.1: 2 of 1,600,224 alleles (0.00012%); highest among the groups gnomAD compares: Non-Finnish European, 0.00017%; no homozygotes.

Submissions (2):

Labcorp Genetics (formerly Invitae), Labcorp
Classification: Likely benign. Last evaluated: 2026-01-24. Review status: criteria provided, single submitter. Criteria: Invitae Variant Classification Sherloc (09022015). Collection method: clinical testing. Allele origin: germline.

PreventionGenetics, part of Exact Sciences
Classification: Likely benign for ADGRV1-related condition. Last evaluated: 2020-03-20. Review status: no assertion criteria provided. Collection method: clinical testing. Allele origin: germline. Not counted in ClinVar's aggregate classification.
Comment: This variant is classified as likely benign based on ACMG/AMP sequence variant interpretation guidelines (Richards et al. 2015 PMID: 25741868, with internal and published modifications).